The following is an entry in ClinVar:

NM_021913.5(AXL):c.587G>A (p.Gly196Glu)

Gene: AXL (AXL receptor tyrosine kinase; plus strand). Cytogenetic location: 19q13.2.
Variant type: single nucleotide variant.
Coding change: c.587G>A on transcript NM_021913.5 (MANE Select); coding-DNA position 587, G replaced by A.
Protein change: p.Gly196Glu; replaces glycine 196 with glutamic acid.
Molecular consequence: missense variant. On other transcripts: 5 prime UTR variant (1).
Genome position (GRCh38, 1-based): chr19:41,230,967, G>A. VCF-style: chr19-41230967-G-A. GRCh37 (hg19) VCF-style: chr19-41736872-G-A.
Other names: c.-218G>A (NM_001278599.2); c.587G>A, p.Gly196Glu (NM_001699.6); short protein forms G196E.
Identifiers: ClinVar variation 4699491 (VCV004699491.1).

ClinVar aggregate classification (germline): Uncertain significance (1 of 4 stars; one submission).

Submission:

Labcorp Genetics (formerly Invitae), Labcorp
Classification: Uncertain significance. Last evaluated: 2025-12-29. Review status: criteria provided, single submitter. Criteria: Invitae Variant Classification Sherloc (09022015). Collection method: clinical testing. Allele origin: germline.
Comment: This sequence change replaces glycine, which is neutral and non-polar, with glutamic acid, which is acidic and polar, at codon 196 of the AXL protein (p.Gly196Glu). This variant is present in population databases (rs750698876, gnomAD 0.003%). This variant has not been reported in the literature in individuals affected with AXL-related conditions. An algorithm developed to predict the effect of missense changes on protein structure and function (PolyPhen-2) suggests that this variant is likely to be disruptive. In summary, the available evidence is currently insufficient to determine the role of this variant in disease. Therefore, it has been classified as a Variant of Uncertain Significance.